The following is an entry in ClinVar:

ClinVar aggregate classification (germline): Uncertain significance (1 of 4 stars; one submission).

Conditions:
Cardiovascular phenotype. Identifiers: MedGen CN230736.

Submission:

Ambry Genetics
Classification: Uncertain significance for Cardiovascular phenotype. Last evaluated: 2024-10-28. Review status: criteria provided, single submitter. Criteria: Ambry Variant Classification Scheme 2023. Collection method: clinical testing. Allele origin: germline.
Comment: The p.L200Q variant (also known as c.599T>A), located in coding exon 4 of the EPHB4 gene, results from a T to A substitution at nucleotide position 599. The leucine at codon 200 is replaced by glutamine, an amino acid with dissimilar properties. This amino acid position is conserved. In addition, this alteration is predicted to be tolerated by in silico analysis. Based on the available evidence, the clinical significance of this variant remains unclear.

NM_004444.5(EPHB4):c.599T>A (p.Leu200Gln)

Gene: EPHB4 (EPH receptor B4; minus strand). Cytogenetic location: 7q22.1.
Variant type: single nucleotide variant.
Coding change: c.599T>A on transcript NM_004444.5 (MANE Select); coding-DNA position 599, T replaced by A.
Protein change: p.Leu200Gln; replaces leucine 200 with glutamine.
Molecular consequence: missense variant.
Genome position (GRCh38, 1-based): chr7:100,822,480, A>T on the plus strand (T>A on the coding strand, the complement: EPHB4 is on the minus strand). VCF-style: chr7-100822480-A-T. GRCh37 (hg19) VCF-style: chr7-100420102-A-T.
Other names: short protein forms L200Q.
Identifiers: ClinVar variation 3509407 (VCV003509407.1).